The following is an entry in ClinVar:

ClinVar aggregate classification (germline): Likely benign (0 of 4 stars; one submission).

Conditions:
CAPN12-related disorder. Also called: CAPN12-related condition.

Allele frequency attached by ClinVar (database versions not stated): ESP Exome Variant Server 0.00008; 1000 Genomes Project 30x 0.00016; 1000 Genomes Project 0.00020; gnomAD exomes 0.00024; ExAC 0.00040.
gnomAD v4.1: 389 of 1,610,454 alleles (0.024%); highest among the groups gnomAD compares: Middle Eastern, 0.38%; 1 homozygote.

Submission:

PreventionGenetics, part of Exact Sciences
Classification: Likely benign for CAPN12-related condition. Last evaluated: 2019-03-01. Review status: no assertion criteria provided. Collection method: clinical testing. Allele origin: germline.
Comment: This variant is classified as likely benign based on ACMG/AMP sequence variant interpretation guidelines (Richards et al. 2015 PMID: 25741868, with internal and published modifications).

NM_144691.4(CAPN12):c.1596C>T (p.Asp532=)

Gene: CAPN12 (calpain 12; minus strand). Cytogenetic location: 19q13.2.
Variant type: single nucleotide variant.
Coding change: c.1596C>T on transcript NM_144691.4 (MANE Select); coding-DNA position 1596, C replaced by T.
Protein change: p.Asp532=; no amino-acid change (aspartic acid 532 retained).
Molecular consequence: synonymous variant.
Genome position (GRCh38, 1-based): chr19:38,735,532, G>A on the plus strand (C>T on the coding strand, the complement: CAPN12 is on the minus strand). VCF-style: chr19-38735532-G-A. GRCh37 (hg19) VCF-style: chr19-39226172-G-A.
Identifiers: ClinVar variation 3056612 (VCV003056612.2), dbSNP rs141011501, ClinGen allele CA9418640.
Genomic context (GRCh38, chr19:38,735,532, plus strand): 5'-CCATGCCGCCCCTCCAGGAACAGTCCCCACCTGGAGAGACTGCAGGTCTGCGCTGATCAC[G>A]TCGTCGATCTCCCTGCAAATTACAGATGGGAAGTGGGGAGGGGGCTGTTTGCCCCAGCTG-3'
Protein context (NP_653292.2, residues 522-542): ERRHTAVEID[Asp532=]VISADLQSLQ